The following is an entry in ClinVar:

ClinVar aggregate classification (germline): Likely pathogenic (1 of 4 stars; one submission).

Conditions:
Charcot-Marie-Tooth disease type 2. Also called: Charcot-Marie-Tooth type 2. Identifiers: Orphanet 64746, MedGen C0270914, MONDO:0018993.

Submission:

Labcorp Genetics (formerly Invitae), Labcorp
Classification: Likely pathogenic for Charcot-Marie-Tooth disease type 2. Last evaluated: 2023-03-23. Review status: criteria provided, single submitter. Criteria: Invitae Variant Classification Sherloc (09022015). Collection method: clinical testing. Allele origin: germline.
Comment: ClinVar contains an entry for this variant (Variation ID: 543186). Advanced modeling of protein sequence and biophysical properties (such as structural, functional, and spatial information, amino acid conservation, physicochemical variation, residue mobility, and thermodynamic stability) performed at Invitae indicates that this missense variant is expected to disrupt MFN2 protein function. This variant disrupts the p.Thr232 amino acid residue in MFN2. Other variant(s) that disrupt this residue have been observed in individuals with MFN2-related conditions (PMID: 19909486, 22492563), which suggests that this may be a clinically significant amino acid residue. In summary, the currently available evidence indicates that the variant is pathogenic, but additional data are needed to prove that conclusively. Therefore, this variant has been classified as Likely Pathogenic. This sequence change replaces threonine, which is neutral and polar, with proline, which is neutral and non-polar, at codon 232 of the MFN2 protein (p.Thr232Pro). This variant is not present in population databases (gnomAD no frequency). This missense change has been observed in individual(s) with clinical features of autosomal dominant Charcot-Marie-Tooth disease (Invitae).

Literature cited by the submitters: PubMed 19909486; PubMed 22492563.

NM_014874.4(MFN2):c.694A>C (p.Thr232Pro)

Gene: MFN2 (mitofusin 2; plus strand). Cytogenetic location: 1p36.22.
Variant type: single nucleotide variant.
Coding change: c.694A>C on transcript NM_014874.4 (MANE Select); coding-DNA position 694, A replaced by C.
Protein change: p.Thr232Pro; replaces threonine 232 with proline.
Molecular consequence: missense variant.
Genome position (GRCh38, 1-based): chr1:11,998,864, A>C. VCF-style: chr1-11998864-A-C. GRCh37 (hg19) VCF-style: chr1-12058921-A-C.
Other names: c.694A>C, p.Thr232Pro (NM_001127660.2); short protein forms T232P.
Identifiers: ClinVar variation 543186 (VCV000543186.10), dbSNP rs1553143165, ClinGen allele CA338438520.
Genomic context (GRCh38, chr1:11,998,864, plus strand): 5'-TGGATTGACAAGTTTTGTCTGGATGCTGATGTGTTTGTGCTGGTGGCCAACTCAGAGTCC[A>C]CCCTGATGCAGACGGTAACTCCTCCTCTGCCTTCTCCCAAGCTCCCAGCACCCCCTGGGC-3'
Protein context (NP_055689.1, residues 222-242): VFVLVANSES[Thr232Pro]LMQTEKHFFH